The following is an entry in ClinVar:

ClinVar aggregate classification (germline): Benign/Likely benign. Review status: criteria provided, multiple submitters, no conflicts (2 of 4 stars). 6 submissions from 6 submitters: Benign (5); Likely benign (1). Last evaluated 2026-01-29.

Conditions:
Leukodystrophy, hypomyelinating, 7, with or without oligodontia and/or hypogonadotropic hypogonadism (HLD7). Also called: Ataxia, Delayed Dentition and Hypomyelination (ADDH); LEUKOENCEPHALOPATHY, HYPOMYELINATING, WITH ATAXIA AND DELAYED DENTITION; ATAXIA, DELAYED DENTITION, AND HYPOMYELINATION; LEUKODYSTROPHY, HYPOMYELINATING, 7, WITH OLIGODONTIA; LEUKODYSTROPHY, HYPOMYELINATING, 7, WITH OLIGODONTIA AND HYPOGONADOTROPIC HYPOGONADISM; LEUKODYSTROPHY, HYPOMYELINATING, 7, WITHOUT OLIGODONTIA OR HYPOGONADOTROPIC HYPOGONADISM. Identifiers: Orphanet 137639, Orphanet 447893, Orphanet 447896, Orphanet 77295, Orphanet 88637, MedGen CN034185, MONDO:0011897, OMIM 607694.

Allele frequency attached by ClinVar (database versions not stated): gnomAD exomes 0.00086 and 0.00038; ExAC 0.00108; 1000 Genomes Project 0.00359; gnomAD 0.00365 and 0.00385; 1000 Genomes Project 30x 0.00390; TOPMed 0.00394; ESP Exome Variant Server 0.00415.
gnomAD v4.1: 1,147 of 1,610,774 alleles (0.071%); highest among the groups gnomAD compares: African/African-American, 1.3%; 13 homozygotes.

Submissions (6):

Labcorp Genetics (formerly Invitae), Labcorp
Classification: Benign. Last evaluated: 2026-01-29. Review status: criteria provided, single submitter. Criteria: Invitae Variant Classification Sherloc (09022015). Collection method: clinical testing. Allele origin: germline.

Genomic Medicine Center of Excellence, King Faisal Specialist Hospital and Research Centre
Classification: Likely benign. Last evaluated: 2025-08-18. Review status: criteria provided, single submitter. Criteria: ACMG Guidelines, 2015. Collection method: clinical testing. Allele origin: germline.

CeGaT Center for Human Genetics Tuebingen
Classification: Benign. Last evaluated: 2025-06-01. Review status: criteria provided, single submitter. Criteria: CeGaT Center For Human Genetics Tuebingen Variant Classification Criteria Version 2. Collection method: clinical testing. Allele origin: germline. Affected: yes. Observed: 2 variant alleles.
Comment: POLR3A: BP4, BS1, BS2

Mayo Clinic Laboratories, Mayo Clinic
Classification: Benign. Last evaluated: 2025-05-02. Review status: criteria provided, single submitter. Criteria: ACMG Guidelines, 2015. Collection method: clinical testing. Allele origin: germline. Observed: 1 variant allele.
Comment: BS1, BS2, BP4, BP7

Illumina Laboratory Services, Illumina
Classification: Benign for Leukodystrophy, hypomyelinating, 7, with or without oligodontia and/or hypogonadotropic hypogonadism. Last evaluated: 2017-04-27. Review status: criteria provided, single submitter. Criteria: ICSL Variant Classification Criteria 13 December 2019. Collection method: clinical testing. Allele origin: germline.
Comment: This variant was observed as part of a predisposition screen in an ostensibly healthy population. A literature search was performed for the gene, cDNA change, and amino acid change (where applicable). No publications were found based on this search. Allele frequency data from public databases was too high to be consistent with this variant causing disease. Therefore, this variant is classified as benign.

Breakthrough Genomics
Classification: Benign. Review status: criteria provided, single submitter. Criteria: ACMG Guidelines, 2015. Collection method: not provided. Allele origin: germline. Inheritance: Autosomal recessive inheritance. Affected: yes.

NM_007055.4(POLR3A):c.2247+8C>T

Gene: POLR3A (RNA polymerase III subunit A; minus strand). Cytogenetic location: 10q22.3.
Variant type: single nucleotide variant.
Coding change: c.2247+8C>T on transcript NM_007055.4 (MANE Select); 8 bases into the intron after coding-DNA position 2247, C replaced by T.
Molecular consequence: intron variant.
Genome position (GRCh38, 1-based): chr10:78,004,708, G>A on the plus strand (C>T on the coding strand, the complement: POLR3A is on the minus strand). VCF-style: chr10-78004708-G-A. GRCh37 (hg19) VCF-style: chr10-79764466-G-A.
Other names: p.?.
Identifiers: ClinVar variation 778466 (VCV000778466.30), dbSNP rs147475356, ClinGen allele CA5571191.